The following is an entry in ClinVar:

NM_014806.5(RUSC2):c.3791G>A (p.Arg1264Gln)

Gene: RUSC2 (RUN and SH3 domain containing 2; plus strand). Cytogenetic location: 9p13.3.
Variant type: single nucleotide variant.
Coding change: c.3791G>A on transcript NM_014806.5 (MANE Select); coding-DNA position 3791, G replaced by A.
Protein change: p.Arg1264Gln; replaces arginine 1264 with glutamine.
Molecular consequence: missense variant. On other transcripts: non-coding transcript variant (1).
Genome position (GRCh38, 1-based): chr9:35,560,431, G>A. VCF-style: chr9-35560431-G-A. GRCh37 (hg19) VCF-style: chr9-35560428-G-A.
Other names: c.3791G>A, p.Arg1264Gln (NM_001135999.2); c.1157G>A, p.Arg386Gln (NM_001330740.2); short protein forms R386Q, R1264Q.
Identifiers: ClinVar variation 1918305 (VCV001918305.2), dbSNP rs760555865, ClinGen allele CA5044244.

ClinVar aggregate classification (germline): Uncertain significance (1 of 4 stars; one submission).

Allele frequency attached by ClinVar (database versions not stated): gnomAD 0.00001; gnomAD exomes 0.00001; ExAC 0.00002; TOPMed 0.00002.
gnomAD v4.1: 21 of 1,614,082 alleles (0.0013%); highest among the groups gnomAD compares: Middle Eastern, 0.016%; no homozygotes.

Submission:

Labcorp Genetics (formerly Invitae), Labcorp
Classification: Uncertain significance. Last evaluated: 2022-01-12. Review status: criteria provided, single submitter. Criteria: Invitae Variant Classification Sherloc (09022015). Collection method: clinical testing. Allele origin: germline.
Comment: This sequence change replaces arginine, which is basic and polar, with glutamine, which is neutral and polar, at codon 1264 of the RUSC2 protein (p.Arg1264Gln). This variant is present in population databases (rs760555865, gnomAD 0.02%). This variant has not been reported in the literature in individuals affected with RUSC2-related conditions. Algorithms developed to predict the effect of missense changes on protein structure and function output the following: SIFT: "Tolerated"; PolyPhen-2: "Benign"; Align-GVGD: "Class C0". The glutamine amino acid residue is found in multiple mammalian species, which suggests that this missense change does not adversely affect protein function. In summary, the available evidence is currently insufficient to determine the role of this variant in disease. Therefore, it has been classified as a Variant of Uncertain Significance.